The following is an entry in ClinVar:

ClinVar aggregate classification (germline): Uncertain significance. Review status: criteria provided, multiple submitters, no conflicts (2 of 4 stars). 2 submissions from 2 submitters: Uncertain significance (2). Last evaluated 2024-10-30.

Conditions:
Ellis-van Creveld syndrome (EVC). Also called: Chondroectodermal dysplasia; EVC-Related Ellis-van Creveld Syndrome; EVC2-Related Ellis-van Creveld Syndrome; MESOECTODERMAL DYSPLASIA. Identifiers: Orphanet 289, MedGen C0013903, MONDO:0009162, OMIM 225500.
Curry-Hall syndrome (WAD). Also called: WEYERS ACRODENTAL DYSOSTOSIS. Identifiers: Orphanet 952, MedGen C0457013, MONDO:0008673, OMIM 193530.

Allele frequency attached by ClinVar (database versions not stated): ExAC 0.00001; gnomAD 0.00002; TOPMed 0.00002.
gnomAD v4.1: 20 of 1,613,968 alleles (0.0012%); highest among the groups gnomAD compares: African/African-American, 0.008%; no homozygotes.

Submissions (2):

Labcorp Genetics (formerly Invitae), Labcorp
Classification: Uncertain significance for Curry-Hall syndrome; Ellis-van Creveld syndrome. Last evaluated: 2024-10-30. Review status: criteria provided, single submitter. Criteria: Invitae Variant Classification Sherloc (09022015). Collection method: clinical testing. Allele origin: germline.
Comment: This sequence change replaces arginine, which is basic and polar, with glutamine, which is neutral and polar, at codon 698 of the EVC2 protein (p.Arg698Gln). The frequency data for this variant in the population databases is considered unreliable, as metrics indicate poor data quality at this position in the gnomAD database. This variant has not been reported in the literature in individuals affected with EVC2-related conditions. ClinVar contains an entry for this variant (Variation ID: 2151028). An algorithm developed to predict the effect of missense changes on protein structure and function outputs the following: PolyPhen-2: "Benign". The glutamine amino acid residue is found in multiple mammalian species, which suggests that this missense change does not adversely affect protein function. In summary, the available evidence is currently insufficient to determine the role of this variant in disease. Therefore, it has been classified as a Variant of Uncertain Significance.

GeneDx
Classification: Uncertain significance. Last evaluated: 2024-07-26. Review status: criteria provided, single submitter. Criteria: GeneDx Variant Classification Process June 2021. Collection method: clinical testing. Allele origin: germline. Affected: yes.
Comment: In silico analysis indicates that this missense variant does not alter protein structure/function; Has not been previously published as pathogenic or benign to our knowledge

NM_147127.5(EVC2):c.2093G>A (p.Arg698Gln)

Gene: EVC2 (EvC ciliary complex subunit 2; minus strand). Cytogenetic location: 4p16.2.
Variant type: single nucleotide variant.
Coding change: c.2093G>A on transcript NM_147127.5 (MANE Select); coding-DNA position 2093, G replaced by A.
Protein change: p.Arg698Gln; replaces arginine 698 with glutamine.
Molecular consequence: missense variant.
Genome position (GRCh38, 1-based): chr4:5,622,945, C>T on the plus strand (G>A on the coding strand, the complement: EVC2 is on the minus strand). VCF-style: chr4-5622945-C-T. GRCh37 (hg19) VCF-style: chr4-5624672-C-T.
Other names: c.2093G>A (NM_147127.4); c.1853G>A, p.Arg618Gln (NM_001166136.2); short protein forms R618Q, R698Q.
Identifiers: ClinVar variation 2151028 (VCV002151028.5), dbSNP rs771312318, ClinGen allele CA2834807.
Genomic context (GRCh38, chr4:5,622,945, plus strand): 5'-CCGTGCTCCTCCATCAGGCTCCTCTTCTGGTGCAGGTACTGGCCGGCATCCTCAACCGTT[C>T]GGAAGGCCTCGCCGACGGACGCCTGCTCCCTACGCTGCTCCCTGTGCTGGAGTTTCAGAA-3'
Protein context (NP_667338.3, residues 688-708): REQASVGEAF[Arg698Gln]TVEDAGQYLH